The following is an entry in ClinVar:

ClinVar aggregate classification (germline): Pathogenic (1 of 4 stars; one submission).

Conditions:
Multiple congenital anomalies-hypotonia-seizures syndrome 1 (MCAHS1). Also called: PIGN-CDG; Congenital disorder of glycosylation due to PIGN deficiency; GLYCOSYLPHOSPHATIDYLINOSITOL BIOSYNTHESIS DEFECT 3. Identifiers: Orphanet 280633, MedGen C3279775, MONDO:0013563, OMIM 614080.

Submission:

Labcorp Genetics (formerly Invitae), Labcorp
Classification: Pathogenic for Multiple congenital anomalies-hypotonia-seizures syndrome 1. Last evaluated: 2026-01-17. Review status: criteria provided, single submitter. Criteria: Invitae Variant Classification Sherloc (09022015). Collection method: clinical testing. Allele origin: germline.
Comment: This sequence change creates a premature translational stop signal (p.Thr215Asnfs*18) in the PIGN gene. It is expected to result in an absent or disrupted protein product. Loss-of-function variants in PIGN are known to be pathogenic (PMID: 24253414, 27038415). This variant is not present in population databases (gnomAD no frequency). This variant has not been reported in the literature in individuals affected with PIGN-related conditions. For these reasons, this variant has been classified as Pathogenic.

Literature cited by the submitters: PubMed 24253414; PubMed 27038415.

NM_176787.5(PIGN):c.643dup (p.Thr215fs)

Gene: PIGN (phosphatidylinositol glycan anchor biosynthesis class N; minus strand). Cytogenetic location: 18q21.33.
Variant type: Duplication.
Coding change: c.643dup on transcript NM_176787.5 (MANE Select); coding-DNA position 643, one base duplicated (A; older notation c.643dupA).
Protein change: p.Thr215fs; shifts the reading frame from threonine 215.
Molecular consequence: frameshift variant.
Genome position (GRCh38, 1-based): chr18:62,148,245, T duplicated on the plus strand (A on the coding strand, the reverse complement: PIGN is on the minus strand). VCF-style (leftmost placement, unchanged base first): chr18-62148244-G-GT. GRCh37 (hg19) VCF-style: chr18-59815477-G-GT.
Other names: c.643dup, p.Thr215fs (NM_001438896.1, NM_001438904.1, NM_001438905.1 and 2 more transcripts); short protein forms T215fs.
Identifiers: ClinVar variation 4735531 (VCV004735531.1).
Genomic context (GRCh38, chr18:62,148,244, plus strand): 5'-AAAATACAATTAAACACAATATTAAATTACCTCGAGGATGGTCGATGAGCATGTCCGTTT[G>GT]TATCTATTCCTAATAAATGTAAGAAAAAAACTATTTTCTCTTCATTTATTTTAGAAAACA-3'